The following is an entry in ClinVar:

ClinVar aggregate classification (germline): Uncertain significance. Review status: criteria provided, multiple submitters, no conflicts (2 of 4 stars). 2 submissions from 2 submitters: Uncertain significance (2). Last evaluated 2023-04-13.

Conditions:
Hereditary cancer-predisposing syndrome. Also called: Tumor predisposition; Hereditary Cancer Syndrome; Hereditary neoplastic syndrome; Neoplastic Syndromes, Hereditary. Identifiers: Orphanet 140162, MedGen C0027672, MeSH D009386, MONDO:0015356.
Gastrointestinal stromal tumor. Also called: Gastrointestinal stroma tumor; Gastrointestinal stromal tumor, somatic. Identifiers: Orphanet 44890, MedGen C0238198, MeSH D046152, MONDO:0011719, OMIM 606764, HP:0100723.

Submissions (2):

Ambry Genetics
Classification: Uncertain significance for Hereditary cancer-predisposing syndrome. Last evaluated: 2023-04-13. Review status: criteria provided, single submitter. Criteria: Ambry Variant Classification Scheme 2023. Collection method: clinical testing. Allele origin: germline.
Comment: The p.N511K variant (also known as c.1533C>G), located in coding exon 9 of the KIT gene, results from a C to G substitution at nucleotide position 1533. The asparagine at codon 511 is replaced by lysine, an amino acid with similar properties. This amino acid position is highly conserved in available vertebrate species. In addition, this alteration is predicted to be tolerated by in silico analysis. Since supporting evidence is limited at this time, the clinical significance of this alteration remains unclear.

Labcorp Genetics (formerly Invitae), Labcorp
Classification: Uncertain significance for Gastrointestinal stromal tumor. Last evaluated: 2022-06-21. Review status: criteria provided, single submitter. Criteria: Invitae Variant Classification Sherloc (09022015). Collection method: clinical testing. Allele origin: germline.
Comment: In summary, the available evidence is currently insufficient to determine the role of this variant in disease. Therefore, it has been classified as a Variant of Uncertain Significance. Algorithms developed to predict the effect of sequence changes on RNA splicing suggest that this variant may disrupt the consensus splice site. Algorithms developed to predict the effect of missense changes on protein structure and function are either unavailable or do not agree on the potential impact of this missense change (SIFT: "Deleterious"; PolyPhen-2: "Probably Damaging"; Align-GVGD: "Class C0"). This variant has not been reported in the literature in individuals affected with KIT-related conditions. This variant is not present in population databases (gnomAD no frequency). This sequence change replaces asparagine, which is neutral and polar, with lysine, which is basic and polar, at codon 511 of the KIT protein (p.Asn511Lys).

NM_000222.3(KIT):c.1533C>G (p.Asn511Lys)

Gene: KIT (KIT proto-oncogene, receptor tyrosine kinase; plus strand). Cytogenetic location: 4q12.
Variant type: single nucleotide variant.
Coding change: c.1533C>G on transcript NM_000222.3 (MANE Select); coding-DNA position 1533, C replaced by G.
Protein change: p.Asn511Lys; replaces asparagine 511 with lysine.
Molecular consequence: missense variant. On other transcripts: intron variant (4).
Genome position (GRCh38, 1-based): chr4:54,726,043, C>G. VCF-style: chr4-54726043-C-G. GRCh37 (hg19) VCF-style: chr4-55592209-C-G.
Other names: c.1536C>G, p.Asn512Lys (NM_001385284.1, NM_001385290.1); c.1533C>G, p.Asn511Lys (NM_001385285.1); c.1531+5C>G (NM_001385288.1, NM_001385292.1); c.1528+5C>G (NM_001093772.2, NM_001385286.1); short protein forms N511K, N512K.
Identifiers: ClinVar variation 2008777 (VCV002008777.6), dbSNP rs1232688220, ClinGen allele CA356906732.